The following is an entry in ClinVar:

NM_174936.4(PCSK9):c.160G>A (p.Glu54Lys)

Gene: PCSK9 (proprotein convertase subtilisin/kexin type 9; plus strand). Cytogenetic location: 1p32.3.
Variant type: single nucleotide variant.
Coding change: c.160G>A on transcript NM_174936.4 (MANE Select); coding-DNA position 160, G replaced by A.
Protein change: p.Glu54Lys; replaces glutamic acid 54 with lysine.
Molecular consequence: missense variant. On other transcripts: 5 prime UTR variant (1), non-coding transcript variant (8).
Genome position (GRCh38, 1-based): chr1:55,039,997, G>A. VCF-style: chr1-55039997-G-A. GRCh37 (hg19) VCF-style: chr1-55505670-G-A.
Other names: c.160G>A, p.Glu54Lys (NM_001407240.1, NM_001407241.1, NM_001407242.1 and 4 more transcripts); c.-575G>A (NM_001407246.1); short protein forms E54K.
Identifiers: ClinVar variation 3071520 (VCV003071520.12), dbSNP rs770080583, ClinGen allele CA038158.
Genomic context (GRCh38, chr1:55,039,997, plus strand): 5'-GAGGACGGCGACTACGAGGAGCTGGTGCTAGCCTTGCGTTCCGAGGAGGACGGCCTGGCC[G>A]AAGCACCCGAGCACGGAACCACAGCCACCTTCCACCGCTGCGCCAAGGTGCGGGTGTAGG-3'
Protein context (NP_777596.2, residues 44-64): ALRSEEDGLA[Glu54Lys]APEHGTTATF

ClinVar aggregate classification (germline): Uncertain significance. Review status: criteria provided, multiple submitters, no conflicts (2 of 4 stars). 3 submissions from 3 submitters: Uncertain significance (3). Last evaluated 2025-07-14.

Conditions:
Hypercholesterolemia, autosomal dominant, 3 (FHCL3). Also called: Familial Hypercholesterolemia, Autosomal Dominant, 3; PCSK9-Related Familial Hypercholesterolemia, Autosomal Dominant; Familial hypercholesterolemia 3. Identifiers: MedGen C1863551, MONDO:0011369, OMIM 603776.
Familial hypercholesterolemia. Also called: Familial hypercholesterolemias; Familial hypercholesterolaemia. Identifiers: MedGen C0020445, MONDO:0005439.

Allele frequency attached by ClinVar (database versions not stated): gnomAD exomes 0.00002; ExAC 0.00006.
gnomAD v4.1: 27 of 1,578,278 alleles (0.0017%); highest among the groups gnomAD compares: Non-Finnish European, 0.0023%; no homozygotes.

Submissions (3):

Color Diagnostics, LLC DBA Color Health
Classification: Uncertain significance for Familial hypercholesterolemia. Last evaluated: 2025-07-14. Review status: criteria provided, single submitter. Criteria: ACMG Guidelines, 2015. Collection method: clinical testing. Allele origin: germline.
Comment: This missense variant replaces glutamic acid with lysine at codon 54 of the PCSK9 protein. Computational prediction suggests that this variant may not impact protein structure and function. To our knowledge, functional studies have not been reported for this variant. This variant has not been reported in individuals affected with PCSK9-related disorders in the literature. This variant has been identified in 4/192894 chromosomes in the general population by the Genome Aggregation Database (gnomAD). The available evidence is insufficient to determine the role of this variant in disease conclusively. Therefore, this variant is classified as a Variant of Uncertain Significance.

CeGaT Center for Human Genetics Tuebingen
Classification: Uncertain significance. Last evaluated: 2025-06-01. Review status: criteria provided, single submitter. Criteria: CeGaT Center For Human Genetics Tuebingen Variant Classification Criteria Version 2. Collection method: clinical testing. Allele origin: germline. Affected: yes. Observed: 1 variant allele.
Comment: PCSK9: PM2, BP4

All of Us Research Program, National Institutes of Health
Classification: Uncertain significance for Hypercholesterolemia, autosomal dominant, 3. Last evaluated: 2023-06-08. Review status: criteria provided, single submitter. Criteria: ACMG Guidelines, 2015. Collection method: clinical testing. Allele origin: germline. Inheritance: Autosomal dominant inheritance. Observed: 1 variant allele, 1 heterozygote.
Comment: This missense variant replaces glutamic acid with lysine at codon 54 of the PCSK9 protein. Computational prediction suggests that this variant may not impact protein structure and function (internally defined REVEL score threshold <= 0.5, PMID: 27666373). To our knowledge, functional studies have not been reported for this variant. This variant has not been reported in individuals affected with PCSK9-related disorders in the literature. This variant has been identified in 4/192894 chromosomes in the general population by the Genome Aggregation Database (gnomAD). The available evidence is insufficient to determine the role of this variant in disease conclusively. Therefore, this variant is classified as a Variant of Uncertain Significance.

This study involves interpretation of variants in research participants for the purpose of population health screening. Participant phenotype was not available at the time of variant classification. Additional details can be found in publication PMID: 35346344, PMCID: PMC8962531